The following is an entry in ClinVar:

NM_000094.4(COL7A1):c.7966G>A (p.Gly2656Arg)

Gene: COL7A1 (collagen type VII alpha 1 chain; minus strand). Cytogenetic location: 3p21.31.
Variant type: single nucleotide variant.
Coding change: c.7966G>A on transcript NM_000094.4 (MANE Select); coding-DNA position 7966, G replaced by A.
Protein change: p.Gly2656Arg; replaces glycine 2656 with arginine.
Molecular consequence: missense variant.
Genome position (GRCh38, 1-based): chr3:48,567,727, C>T on the plus strand (G>A on the coding strand, the complement: COL7A1 is on the minus strand). VCF-style: chr3-48567727-C-T. GRCh37 (hg19) VCF-style: chr3-48605160-C-T.
Other names: short protein forms G2656R.
Identifiers: ClinVar variation 4847072 (VCV004847072.1).
Genomic context (GRCh38, chr3:48,567,727, plus strand): 5'-CGTCCACCCGTGGCCCCCTCATTCTGAGCGTGCCCACACTCACCATCTCTCCTTTGTGTC[C>T]TGCCAGCCCGGGGCGGCCTGGGGGACCAGCTTCTCCCTGCAGGCATCAGGCAGTGGGGTG-3'
Protein context (NP_000085.1, residues 2646-2666): AGPPGRPGLA[Gly2656Arg]HKGEMGEPGV

ClinVar aggregate classification (germline): Uncertain significance (1 of 4 stars; one submission).

Submission:

Women's Health and Genetics/Laboratory Corporation of America, LabCorp
Classification: Uncertain significance. Last evaluated: 2026-03-19. Review status: criteria provided, single submitter. Criteria: LabCorp Variant Classification Summary - May 2015. Collection method: clinical testing. Allele origin: germline.
Comment: Variant summary: COL7A1 c.7966G>A (p.Gly2656Arg) results in a non-conservative amino acid change in the encoded protein sequence. This variant disrupts the triple helix domain of [Gene name]. Glycine residues within the Gly-Xaa-Yaa repeats of the triple helix domain are required for the structure and stability of fibrillar collagens (PMID: 7695699, 8218237, 19344236). Algorithms developed to predict the effect of missense changes on protein structure and function all suggest that this variant is likely to be disruptive. The variant was absent in 251214 control chromosomes. The available data on variant occurrences in the general population are insufficient to allow any conclusion about variant significance. To our knowledge, no occurrence of c.7966G>A in individuals affected with COL7A1-related conditions and no experimental evidence demonstrating its impact on protein function have been reported. No submitters have cited clinical-significance assessments for this variant to ClinVar. Based on the evidence outlined above, the variant was classified as uncertain significance.